The following is an entry in ClinVar:

NM_005876.5(SPEG):c.2017G>T (p.Gly673Trp)

Gene: SPEG (striated muscle enriched protein kinase; plus strand). Cytogenetic location: 2q35.
Variant type: single nucleotide variant.
Coding change: c.2017G>T on transcript NM_005876.5 (MANE Select); coding-DNA position 2017, G replaced by T.
Protein change: p.Gly673Trp; replaces glycine 673 with tryptophan.
Molecular consequence: missense variant.
Genome position (GRCh38, 1-based): chr2:219,449,175, G>T. VCF-style: chr2-219449175-G-T. GRCh37 (hg19) VCF-style: chr2-220313897-G-T.
Other names: c.2017G>T (NM_005876.4); short protein forms G673W.
Identifiers: ClinVar variation 2167335 (VCV002167335.2), dbSNP rs1402643910, ClinGen allele CA350725978.
Genomic context (GRCh38, chr2:219,449,175, plus strand): 5'-GTACCCCAGACCTTGGAGAAGAACAGGGCGGGGCCTGAGGCAGAGAAGAGGCTTCGCAGA[G>T]GGCCGGAGGAGGACGGTCCCTGGGGGCCCTGGGACCGCCGAGGGGCCCGCAGCCAGGGCA-3'
Protein context (NP_005867.3, residues 663-683): GPEAEKRLRR[Gly673Trp]PEEDGPWGPW

ClinVar aggregate classification (germline): Uncertain significance. Review status: criteria provided, multiple submitters, no conflicts (2 of 4 stars). 2 submissions from 2 submitters: Uncertain significance (2). Last evaluated 2024-08-19.

Conditions:
Inborn genetic diseases. Identifiers: MedGen C0950123, MeSH D030342.

Allele frequency attached by ClinVar (database versions not stated): gnomAD 0.00001; TOPMed 0.00002.
gnomAD v4.1: 4 of 1,398,536 alleles (0.00029%); highest among the groups gnomAD compares: East Asian, 0.012%; no homozygotes.

Submissions (2):

Ambry Genetics
Classification: Uncertain significance for Inborn genetic diseases. Last evaluated: 2024-08-19. Review status: criteria provided, single submitter. Criteria: Ambry Variant Classification Scheme 2023. Collection method: clinical testing. Allele origin: germline.

Labcorp Genetics (formerly Invitae), Labcorp
Classification: Uncertain significance. Last evaluated: 2021-12-24. Review status: criteria provided, single submitter. Criteria: Invitae Variant Classification Sherloc (09022015). Collection method: clinical testing. Allele origin: germline.
Comment: This sequence change replaces glycine, which is neutral and non-polar, with tryptophan, which is neutral and slightly polar, at codon 673 of the SPEG protein (p.Gly673Trp). This variant is not present in population databases (gnomAD no frequency). This variant has not been reported in the literature in individuals affected with SPEG-related conditions. Algorithms developed to predict the effect of missense changes on protein structure and function are either unavailable or do not agree on the potential impact of this missense change (SIFT: "Deleterious"; PolyPhen-2: "Probably Damaging"; Align-GVGD: "Class C15"). In summary, the available evidence is currently insufficient to determine the role of this variant in disease. Therefore, it has been classified as a Variant of Uncertain Significance.